The following is an entry in ClinVar:

NM_004247.4(EFTUD2):c.715A>G (p.Thr239Ala)

Gene: EFTUD2 (elongation factor Tu GTP binding domain containing 2; minus strand). Cytogenetic location: 17q21.31.
Variant type: single nucleotide variant.
Coding change: c.715A>G on transcript NM_004247.4 (MANE Select); coding-DNA position 715, A replaced by G.
Protein change: p.Thr239Ala; replaces threonine 239 with alanine.
Molecular consequence: missense variant.
Genome position (GRCh38, 1-based): chr17:44,876,088, T>C on the plus strand (A>G on the coding strand, the complement: EFTUD2 is on the minus strand). VCF-style: chr17-44876088-T-C. GRCh37 (hg19) VCF-style: chr17-42953456-T-C.
Other names: c.610A>G, p.Thr204Ala (NM_001142605.2); c.715A>G, p.Thr239Ala (NM_001258353.2); c.685A>G, p.Thr229Ala (NM_001258354.2); c.715A>G (NM_004247.3); short protein forms T239A, T204A, T229A.
Identifiers: ClinVar variation 3717079 (VCV003717079.3).

ClinVar aggregate classification (germline): Uncertain significance. Review status: criteria provided, multiple submitters, no conflicts (2 of 4 stars). 2 submissions from 2 submitters: Uncertain significance (2). Last evaluated 2025-10-27.

Conditions:
Inborn genetic diseases. Identifiers: MedGen C0950123, MeSH D030342.

gnomAD v4.1: 4 of 1,612,612 alleles (0.00025%); highest among the groups gnomAD compares: Non-Finnish European, 0.00034%; no homozygotes.

Submissions (2):

Labcorp Genetics (formerly Invitae), Labcorp
Classification: Uncertain significance. Last evaluated: 2025-10-27. Review status: criteria provided, single submitter. Criteria: Invitae Variant Classification Sherloc (09022015). Collection method: clinical testing. Allele origin: germline.
Comment: This sequence change replaces threonine, which is neutral and polar, with alanine, which is neutral and non-polar, at codon 239 of the EFTUD2 protein (p.Thr239Ala). This variant is present in population databases (rs751869571, gnomAD 0.0009%). This variant has not been reported in the literature in individuals affected with EFTUD2-related conditions. ClinVar contains an entry for this variant (Variation ID: 3717079). Invitae Evidence Modeling of protein sequence and biophysical properties (such as structural, functional, and spatial information, amino acid conservation, physicochemical variation, residue mobility, and thermodynamic stability) indicates that this missense variant is expected to disrupt EFTUD2 protein function with a positive predictive value of 80%. In summary, the available evidence is currently insufficient to determine the role of this variant in disease. Therefore, it has been classified as a Variant of Uncertain Significance.

Ambry Genetics
Classification: Uncertain significance for Inborn genetic diseases. Last evaluated: 2025-01-10. Review status: criteria provided, single submitter. Criteria: Ambry Variant Classification Scheme 2023. Collection method: clinical testing. Allele origin: germline.